The following is an entry in ClinVar:

ClinVar aggregate classification (germline): Uncertain significance (1 of 4 stars; one submission).

Conditions:
RFT1-congenital disorder of glycosylation (CDG1N). Also called: Congenital disorder of glycosylation type In; CDG In; RFT1-CDG. Identifiers: Orphanet 244310, MedGen C2677590, MONDO:0012783, OMIM 612015.

Allele frequency attached by ClinVar (database versions not stated): gnomAD exomes below 0.00001.
gnomAD v4.1: 1 of 1,609,636 alleles (0.000062%); highest among the groups gnomAD compares: Non-Finnish European, 0.000085%; no homozygotes.

Submission:

Labcorp Genetics (formerly Invitae), Labcorp
Classification: Uncertain significance for RFT1-congenital disorder of glycosylation. Last evaluated: 2022-04-19. Review status: criteria provided, single submitter. Criteria: Invitae Variant Classification Sherloc (09022015). Collection method: clinical testing. Allele origin: germline.
Comment: In summary, the available evidence is currently insufficient to determine the role of this variant in disease. Therefore, it has been classified as a Variant of Uncertain Significance. Variants that disrupt the consensus splice site are a relatively common cause of aberrant splicing (PMID: 17576681, 9536098). Algorithms developed to predict the effect of sequence changes on RNA splicing suggest that this variant is not likely to affect RNA splicing. This variant has not been reported in the literature in individuals affected with RFT1-related conditions. This variant is not present in population databases (gnomAD no frequency). This sequence change falls in intron 1 of the RFT1 gene. It does not directly change the encoded amino acid sequence of the RFT1 protein. It affects a nucleotide within the consensus splice site.

Literature cited by the submitters: PubMed 17576681; PubMed 9536098.

NM_052859.4(RFT1):c.64-3T>C

Gene: RFT1 (RFT1 glycolipid translocator homolog; minus strand). Cytogenetic location: 3p21.1.
Variant type: single nucleotide variant.
Coding change: c.64-3T>C on transcript NM_052859.4 (MANE Select); 3 bases into the intron before coding-DNA position 64, T replaced by C.
Molecular consequence: intron variant.
Genome position (GRCh38, 1-based): chr3:53,125,997, A>G on the plus strand (T>C on the coding strand, the complement: RFT1 is on the minus strand). VCF-style: chr3-53125997-A-G. GRCh37 (hg19) VCF-style: chr3-53160013-A-G.
Identifiers: ClinVar variation 2128105 (VCV002128105.4), dbSNP rs1008472283, ClinGen allele CA74816180.